The following is an entry in ClinVar:

NM_000256.3(MYBPC3):c.1595G>T (p.Gly532Val)

Gene: MYBPC3 (myosin binding protein C3; minus strand). Cytogenetic location: 11p11.2.
Variant type: single nucleotide variant.
Coding change: c.1595G>T on transcript NM_000256.3 (MANE Select); coding-DNA position 1595, G replaced by T.
Protein change: p.Gly532Val; replaces glycine 532 with valine.
Molecular consequence: missense variant.
Genome position (GRCh38, 1-based): chr11:47,342,607, C>A on the plus strand (G>T on the coding strand, the complement: MYBPC3 is on the minus strand). VCF-style: chr11-47342607-C-A. GRCh37 (hg19) VCF-style: chr11-47364158-C-A.
Other names: p.G532V:GGC>GTC; c.1595G>T, p.Gly532Val (LRG_386t1); short protein forms G532V.
Identifiers: ClinVar variation 180944 (VCV000180944.9), dbSNP rs730880547, ClinGen allele CA010705.
Genomic context (GRCh38, chr11:47,342,607, plus strand): 5'-AAGCCTCATGTGCCCCCCCAGCCAGGCTCACCCTGCACAATGAGCTCAGCCAGCGCCTGG[C>A]CCCCGCTAGTGCACAGTGCATAGTGCCCCGCGTCCTCCAGCATGGCCTCGTTGATGATCA-3'
Protein context (NP_000247.2, residues 522-542): AGHYALCTSG[Gly532Val]QALAELIVQE

ClinVar aggregate classification (germline): Uncertain significance. Review status: criteria provided, multiple submitters, no conflicts (2 of 4 stars). 2 submissions from 2 submitters: Uncertain significance (2). Last evaluated 2021-03-31.

Conditions:
Hypertrophic cardiomyopathy. Also called: HYPERTROPHIC MYOCARDIOPATHY. Identifiers: Orphanet 217569, MedGen C0007194, MeSH D002312, MONDO:0005045, HP:0001639.

Submissions (2):

Labcorp Genetics (formerly Invitae), Labcorp
Classification: Uncertain significance for Hypertrophic cardiomyopathy. Last evaluated: 2021-03-31. Review status: criteria provided, single submitter. Criteria: Invitae Variant Classification Sherloc (09022015). Collection method: clinical testing. Allele origin: germline.
Comment: In summary, the available evidence is currently insufficient to determine the role of this variant in disease. Therefore, it has been classified as a Variant of Uncertain Significance. Algorithms developed to predict the effect of missense changes on protein structure and function (SIFT, PolyPhen-2, Align-GVGD) all suggest that this variant is likely to be disruptive, but these predictions have not been confirmed by published functional studies and their clinical significance is uncertain. This variant has not been reported in the literature in individuals with MYBPC3-related conditions. ClinVar contains an entry for this variant (Variation ID: 180944). This variant is not present in population databases (ExAC no frequency). This sequence change replaces glycine with valine at codon 532 of the MYBPC3 protein (p.Gly532Val). The glycine residue is highly conserved and there is a moderate physicochemical difference between glycine and valine.

GeneDx
Classification: Uncertain significance. Last evaluated: 2013-04-24. Review status: criteria provided, single submitter. Criteria: GeneDx Variant Classification (06012015). Collection method: clinical testing. Allele origin: germline. Affected: yes.
Comment: p.Gly532Val (GGC>GTC): c.1595 G>T in exon 17 of the MYBPC3 gene (NM_000256.3)The Gly532Val variant in the MYBPC3 gene has not been reported as a disease-causing mutation or as a benign polymorphism to our knowledge. The Gly532Val variant was not observed in approximately 6000 individuals of European and African American ancestry in the NHLBI Exome Sequencing Project, indicating it is not a common benign variant in these populations. Although Gly532Val results in a conservative amino acid substitution of one non-polar amino acid for another, this substitution occurs at a position that is well conserved across species. However, nearby residues in this region are not well conserved. Nevertheless, mutations in nearby residues (Gly523Arg, Gly523Trp, Tyr525Ser, Gly531Arg, Glu542Gln) have been reported in association with HCM, supporting the functional importance of this region of the proten. In silico algorithms are not consistent in their predictions; one algorithm predicts Gly532Val is damaging to the protein structure/function, while another predicts Gly532Val is tolerated.With the clinical and molecular information available at this time, we cannot definitively determine if Gly532Val is a disease-causing mutation or a rare benign variant. Mutations in the MYBPC3 gene have been reported in 20%-30% of patients with autosomal dominant familial hypertrophic cardiomyopathy, and have been reported less frequently in patients with autosomal dominant familial dilated cardiomyopathy (Cirino A et al., 2011; Hershberger R et al., 2009). The variant is found in HCM panel(s).